The following is an entry in ClinVar:

ClinVar aggregate classification (germline): Pathogenic (1 of 4 stars; one submission).

Submission:

Labcorp Genetics (formerly Invitae), Labcorp
Classification: Pathogenic. Last evaluated: 2023-12-04. Review status: criteria provided, single submitter. Criteria: Invitae Variant Classification Sherloc (09022015). Collection method: clinical testing. Allele origin: germline.
Comment: This sequence change creates a premature translational stop signal (p.Leu185Argfs*15) in the RUNX2 gene. It is expected to result in an absent or disrupted protein product. Loss-of-function variants in RUNX2 are known to be pathogenic (PMID: 10521292, 11857736). This variant is not present in population databases (gnomAD no frequency). This variant has not been reported in the literature in individuals affected with RUNX2-related conditions. For these reasons, this variant has been classified as Pathogenic.

Literature cited by the submitters: PubMed 10521292; PubMed 11857736.

NM_001024630.4(RUNX2):c.554del (p.Leu185fs)

Gene: RUNX2 (RUNX family transcription factor 2; plus strand). Cytogenetic location: 6p21.1.
Variant type: Deletion.
Coding change: c.554del on transcript NM_001024630.4 (MANE Select); coding-DNA position 554, one base deleted (T; older notation c.554delT).
Protein change: p.Leu185fs; shifts the reading frame from leucine 185.
Molecular consequence: frameshift variant.
Genome position (GRCh38, 1-based): chr6:45,431,993, T deleted. VCF-style (leftmost placement, unchanged base first): chr6-45431992-CT-C. GRCh37 (hg19) VCF-style: chr6-45399729-CT-C.
Other names: c.554del, p.Leu185fs (NM_001015051.4); c.512del, p.Leu171fs (NM_001278478.2, NM_001369405.1); c.512delT, p.Leu171Argfs (NM_004348.3); short protein forms L171fs, L185fs.
Identifiers: ClinVar variation 2700927 (VCV002700927.3), dbSNP rs2548589263, ClinGen allele CA2697553388.
Genomic context (GRCh38, chr6:45,431,992, plus strand): 5'-TCTGCTGAGCTCCGGAATGCCTCTGCTGTTATGAAAAACCAAGTAGCAAGGTTCAACGAT[CT>C]GAGATTTGTGGGCCGGAGTGGACGAGGTAGGTCTCTGACTTTTGATACTGATAATAGAAT-3'